The following is an entry in ClinVar:

NM_005816.5(CD96):c.1390A>G (p.Asn464Asp)

Gene: CD96 (CD96 molecule; plus strand). Cytogenetic location: 3q13.2.
Variant type: single nucleotide variant.
Coding change: c.1390A>G on transcript NM_005816.5 (MANE Select); coding-DNA position 1390, A replaced by G.
Protein change: p.Asn464Asp; replaces asparagine 464 with aspartic acid.
Molecular consequence: missense variant. On other transcripts: non-coding transcript variant (1).
Genome position (GRCh38, 1-based): chr3:111,638,081, A>G. VCF-style: chr3-111638081-A-G. GRCh37 (hg19) VCF-style: chr3-111356928-A-G.
Other names: c.1438A>G, p.Asn480Asp (NM_198196.3); short protein forms N464D, N480D.
Identifiers: ClinVar variation 1028426 (VCV001028426.1), dbSNP rs1939421281, ClinGen allele CA353960512.

ClinVar aggregate classification (germline): Uncertain significance (1 of 4 stars; one submission).

Conditions:
C syndrome. Also called: OPITZ TRIGONOCEPHALY SYNDROME; TRIGONOCEPHALY SYNDROME. Identifiers: Orphanet 1308, MedGen C0796095, MONDO:0008893, OMIM 211750.

Submission:

Baylor Genetics
Classification: Uncertain significance for C syndrome. Last evaluated: 2020-04-15. Review status: criteria provided, single submitter. Criteria: ACMG Guidelines, 2015. Collection method: clinical testing. Allele origin: unknown. Affected: yes.
Comment: This variant was determined to be of uncertain significance according to ACMG Guidelines, 2015 [PMID:25741868].